The following is an entry in ClinVar:

ClinVar aggregate classification (germline): Pathogenic (1 of 4 stars; one submission).

Conditions:
Multiple gastrointestinal atresias. Also called: FAMILIAL INTESTINAL POLYATRESIA SYNDROME; Multiple intestinal atresia. Identifiers: Orphanet 2300, MedGen C0220744, MONDO:0009465.

Allele frequency attached by ClinVar (database versions not stated): gnomAD exomes below 0.00001; TOPMed 0.00001.
gnomAD v4.1: 1 of 1,614,076 alleles (0.000062%); highest among the groups gnomAD compares: Non-Finnish European, 0.000085%; no homozygotes.

Submission:

Labcorp Genetics (formerly Invitae), Labcorp
Classification: Pathogenic for Multiple gastrointestinal atresias. Last evaluated: 2026-01-14. Review status: criteria provided, single submitter. Criteria: Invitae Variant Classification Sherloc (09022015). Collection method: clinical testing. Allele origin: germline.
Comment: This sequence change creates a premature translational stop signal (p.Gln510*) in the TTC7A gene. It is expected to result in an absent or disrupted protein product. Loss-of-function variants in TTC7A are known to be pathogenic (PMID: 23830146, 24292712). This variant is present in population databases (no rsID available, gnomAD 0.0009%). This variant has not been reported in the literature in individuals affected with TTC7A-related conditions. ClinVar contains an entry for this variant (Variation ID: 2049998). For these reasons, this variant has been classified as Pathogenic.

Literature cited by the submitters: PubMed 23830146; PubMed 24292712.

NM_020458.4(TTC7A):c.1528C>T (p.Gln510Ter)

Gene: TTC7A (tetratricopeptide repeat domain 7A; plus strand). Cytogenetic location: 2p21.
Variant type: single nucleotide variant.
Coding change: c.1528C>T on transcript NM_020458.4 (MANE Select); coding-DNA position 1528, C replaced by T.
Protein change: p.Gln510Ter; replaces glutamine 510 with a stop codon.
Molecular consequence: nonsense.
Genome position (GRCh38, 1-based): chr2:47,023,425, C>T. VCF-style: chr2-47023425-C-T. GRCh37 (hg19) VCF-style: chr2-47250564-C-T.
Other names: c.1528C>T, p.Gln510Ter (NM_001288951.2); c.1426C>T, p.Gln476Ter (NM_001288953.2); c.466C>T, p.Gln156Ter (NM_001288955.2); short protein forms Q510*, Q476*, Q156*.
Identifiers: ClinVar variation 2049998 (VCV002049998.4), dbSNP rs1336620798, ClinGen allele CA346716211.